The following is an entry in ClinVar:

ClinVar aggregate classification (germline): Conflicting classifications of pathogenicity. Review status: criteria provided, conflicting classifications (1 of 4 stars). 4 submissions from 4 submitters: Uncertain significance (2); Likely benign (2). Last evaluated 2025-12-15.

Conditions:
Inborn genetic diseases. Identifiers: MedGen C0950123, MeSH D030342.
Thrombomodulin-related bleeding disorder (THPH12). Also called: Thrombophilia due to thrombomodulin defect. Identifiers: Orphanet 436169, MedGen C3280976, MONDO:0013775, OMIM 614486.
Atypical hemolytic-uremic syndrome with thrombomodulin anomaly. Also called: HEMOLYTIC UREMIC SYNDROME, ATYPICAL, SUSCEPTIBILITY TO, 6; AHUS, SUSCEPTIBILITY TO, 6. Identifiers: MedGen C2752036, MONDO:0013044, OMIM 612926. Disease mechanism: gain of function.

Allele frequency attached by ClinVar (database versions not stated): TOPMed 0.00002; gnomAD 0.00003 and 0.00004; gnomAD exomes 0.00003 and 0.00008; ExAC 0.00006.
gnomAD v4.1: 113 of 1,555,962 alleles (0.0073%); highest among the groups gnomAD compares: Non-Finnish European, 0.0094%; no homozygotes.

Submissions (4):

Labcorp Genetics (formerly Invitae), Labcorp
Classification: Uncertain significance. Last evaluated: 2025-12-15. Review status: criteria provided, single submitter. Criteria: Invitae Variant Classification Sherloc (09022015). Collection method: clinical testing. Allele origin: germline.
Comment: This sequence change replaces proline, which is neutral and non-polar, with threonine, which is neutral and polar, at codon 93 of the THBD protein (p.Pro93Thr). This variant is present in population databases (rs754342536, gnomAD 0.01%). This variant has not been reported in the literature in individuals affected with THBD-related conditions. ClinVar contains an entry for this variant (Variation ID: 1062110). Invitae Evidence Modeling of protein sequence and biophysical properties (such as structural, functional, and spatial information, amino acid conservation, physicochemical variation, residue mobility, and thermodynamic stability) indicates that this missense variant is not expected to disrupt THBD protein function with a negative predictive value of 80%. In summary, the available evidence is currently insufficient to determine the role of this variant in disease. Therefore, it has been classified as a Variant of Uncertain Significance.

Mayo Clinic Laboratories, Mayo Clinic
Classification: Uncertain significance. Last evaluated: 2025-12-06. Review status: criteria provided, single submitter. Criteria: ACMG Guidelines, 2015. Collection method: clinical testing. Allele origin: germline. Observed: 2 variant alleles.
Comment: BP4

Ambry Genetics
Classification: Likely benign for Inborn genetic diseases. Last evaluated: 2025-02-01. Review status: criteria provided, single submitter. Criteria: Ambry Variant Classification Scheme 2023. Collection method: clinical testing. Allele origin: germline.

Fulgent Genetics
Classification: Likely benign for Atypical hemolytic-uremic syndrome with thrombomodulin anomaly; Thrombomodulin-related bleeding disorder. Last evaluated: 2024-06-14. Review status: criteria provided, single submitter. Criteria: ACMG Guidelines, 2015. Collection method: clinical testing. Allele origin: germline.

NM_000361.3(THBD):c.277C>A (p.Pro93Thr)

Gene: THBD (thrombomodulin; minus strand). Cytogenetic location: 20p11.21.
Variant type: single nucleotide variant.
Coding change: c.277C>A on transcript NM_000361.3 (MANE Select); coding-DNA position 277, C replaced by A.
Protein change: p.Pro93Thr; replaces proline 93 with threonine.
Molecular consequence: missense variant.
Genome position (GRCh38, 1-based): chr20:23,049,228, G>T on the plus strand (C>A on the coding strand, the complement: THBD is on the minus strand). VCF-style: chr20-23049228-G-T. GRCh37 (hg19) VCF-style: chr20-23029865-G-T.
Other names: p.Pro93Thr; c.277C>A (NM_000361.2); short protein forms P93T.
Identifiers: ClinVar variation 1062110 (VCV001062110.11), dbSNP rs754342536, ClinGen allele CA9787761.